The following is an entry in ClinVar:

ClinVar aggregate classification (germline): Uncertain significance (1 of 4 stars; one submission).

Allele frequency attached by ClinVar (database versions not stated): gnomAD 0.00001; TOPMed 0.00001; gnomAD exomes 0.00002.
gnomAD v4.1: 10 of 1,600,888 alleles (0.00062%); highest among the groups gnomAD compares: Admixed American, 0.01%; no homozygotes.

Submission:

Labcorp Genetics (formerly Invitae), Labcorp
Classification: Uncertain significance. Last evaluated: 2022-10-27. Review status: criteria provided, single submitter. Criteria: Invitae Variant Classification Sherloc (09022015). Collection method: clinical testing. Allele origin: germline.
Comment: This variant is present in population databases (no rsID available, gnomAD 0.01%). This sequence change falls in intron 7 of the BRD4 gene. It does not directly change the encoded amino acid sequence of the BRD4 protein. It affects a nucleotide within the consensus splice site. This variant has not been reported in the literature in individuals affected with BRD4-related conditions. In summary, the available evidence is currently insufficient to determine the role of this variant in disease. Therefore, it has been classified as a Variant of Uncertain Significance. Variants that disrupt the consensus splice site are a relatively common cause of aberrant splicing (PMID: 17576681, 9536098). Algorithms developed to predict the effect of sequence changes on RNA splicing suggest that this variant is not likely to affect RNA splicing.

Literature cited by the submitters: PubMed 17576681; PubMed 9536098.

NM_001379291.1(BRD4):c.1342-3C>T

Gene: BRD4 (bromodomain containing 4; minus strand). Cytogenetic location: 19p13.12.
Variant type: single nucleotide variant.
Coding change: c.1342-3C>T on transcript NM_001379291.1 (MANE Select); 3 bases into the intron before coding-DNA position 1342, C replaced by T.
Molecular consequence: intron variant.
Genome position (GRCh38, 1-based): chr19:15,257,176, G>A on the plus strand (C>T on the coding strand, the complement: BRD4 is on the minus strand). VCF-style: chr19-15257176-G-A. GRCh37 (hg19) VCF-style: chr19-15367987-G-A.
Other names: c.1342-3C>T (NM_058243.3, NM_001379292.1, NM_014299.3 and 1 more transcripts).
Identifiers: ClinVar variation 2083895 (VCV002083895.4), dbSNP rs896119440, ClinGen allele CA305802357.